The following is an entry in ClinVar:

NM_001079843.3(CASZ1):c.2317T>C (p.Ser773Pro)

Gene: CASZ1 (castor zinc finger 1; minus strand). Cytogenetic location: 1p36.22.
Variant type: single nucleotide variant.
Coding change: c.2317T>C on transcript NM_001079843.3 (MANE Select); coding-DNA position 2317, T replaced by C.
Protein change: p.Ser773Pro; replaces serine 773 with proline.
Molecular consequence: missense variant.
Genome position (GRCh38, 1-based): chr1:10,653,740, A>G on the plus strand (T>C on the coding strand, the complement: CASZ1 is on the minus strand). VCF-style: chr1-10653740-A-G. GRCh37 (hg19) VCF-style: chr1-10713797-A-G.
Other names: c.2317T>C, p.Ser773Pro (NM_017766.5); short protein forms S773P.
Identifiers: ClinVar variation 1494594 (VCV001494594.6), dbSNP rs148334451, ClinGen allele CA584897.

ClinVar aggregate classification (germline): Uncertain significance (1 of 4 stars; one submission).

Allele frequency attached by ClinVar (database versions not stated): ExAC 0.00004; gnomAD exomes 0.00005; gnomAD 0.00015 and 0.00016; TOPMed 0.00020; ESP Exome Variant Server 0.00023.
gnomAD v4.1: 57 of 1,608,878 alleles (0.0035%); highest among the groups gnomAD compares: African/African-American, 0.066%; no homozygotes.

Submission:

Labcorp Genetics (formerly Invitae), Labcorp
Classification: Uncertain significance. Last evaluated: 2024-06-30. Review status: criteria provided, single submitter. Criteria: Invitae Variant Classification Sherloc (09022015). Collection method: clinical testing. Allele origin: germline.
Comment: This sequence change replaces serine, which is neutral and polar, with proline, which is neutral and non-polar, at codon 773 of the CASZ1 protein (p.Ser773Pro). This variant is present in population databases (rs148334451, gnomAD 0.06%), and has an allele count higher than expected for a pathogenic variant. This variant has not been reported in the literature in individuals affected with CASZ1-related conditions. ClinVar contains an entry for this variant (Variation ID: 1494594). Algorithms developed to predict the effect of missense changes on protein structure and function output the following: SIFT: "Not Available"; PolyPhen-2: "Benign"; Align-GVGD: "Not Available". The proline amino acid residue is found in multiple mammalian species, which suggests that this missense change does not adversely affect protein function. In summary, the available evidence is currently insufficient to determine the role of this variant in disease. Therefore, it has been classified as a Variant of Uncertain Significance.